The following is an entry in ClinVar:

ClinVar aggregate classification (germline): Benign/Likely benign. Review status: criteria provided, multiple submitters, no conflicts (2 of 4 stars). 3 submissions from 3 submitters: Benign (2); Likely benign (1). Last evaluated 2018-06-14.

Conditions:
Sarcoglycanopathy. Identifiers: Orphanet 207052, MedGen C2936331, MONDO:0016140.

Allele frequency attached by ClinVar (database versions not stated): 1000 Genomes Project 30x 0.34713; 1000 Genomes Project 0.34804; TOPMed 0.36261; gnomAD 0.37163 and 0.37278; gnomAD exomes 0.42632.
gnomAD v4.1: 164,929 of 405,360 alleles (41%); highest among the groups gnomAD compares: Non-Finnish European, 45%; 35,008 homozygotes.

Submissions (3):

GeneDx
Classification: Benign. Last evaluated: 2018-06-14. Review status: criteria provided, single submitter. Criteria: GeneDx Variant Classification Process June 2021. Collection method: clinical testing. Allele origin: germline. Affected: yes.

Illumina Laboratory Services, Illumina
Classification: Benign for Sarcoglycanopathy. Last evaluated: 2018-01-13. Review status: criteria provided, single submitter. Criteria: ICSL Variant Classification Criteria 13 December 2019. Collection method: clinical testing. Allele origin: germline.
Comment: This variant was observed in the ICSL laboratory as part of a predisposition screen in an ostensibly healthy population. It had not been previously curated by ICSL or reported in the Human Gene Mutation Database (HGMD: prior to June 1st, 2018), and was therefore a candidate for classification through an automated scoring system. Utilizing variant allele frequency, disease prevalence and penetrance estimates, and inheritance mode, an automated score was calculated to assess if this variant is too frequent to cause the disease. Based on the score and internal cut-off values, a variant classified as benign is not then subjected to further curation. The score for this variant resulted in a classification of benign for this disease.

Breakthrough Genomics
Classification: Likely benign. Review status: criteria provided, single submitter. Criteria: ACMG Guidelines, 2015. Collection method: not provided. Allele origin: germline. Inheritance: Autosomal recessive inheritance. Affected: yes.

NM_000231.3(SGCG):c.*295T>C

Gene: SGCG (sarcoglycan gamma; plus strand). Cytogenetic location: 13q12.12.
Variant type: single nucleotide variant.
Coding change: c.*295T>C on transcript NM_000231.3 (MANE Select); 295 bases downstream of the stop codon, T replaced by C.
Molecular consequence: 3 prime UTR variant.
Genome position (GRCh38, 1-based): chr13:23,324,836, T>C. VCF-style: chr13-23324836-T-C. GRCh37 (hg19) VCF-style: chr13-23898975-T-C.
Other names: c.*295T>C (NM_001378244.1, NM_001378245.1, NM_001378246.1).
Identifiers: ClinVar variation 311486 (VCV000311486.9), dbSNP rs3829352, ClinGen allele CA10639182.